The following is an entry in ClinVar:

ClinVar aggregate classification (germline): Uncertain significance (1 of 4 stars; one submission).

Conditions:
Hereditary spastic paraplegia 30. Identifiers: Orphanet 101010, MedGen C5235139, MONDO:0012476.
Neuropathy, hereditary sensory, type 2C. Also called: Hereditary sensory and autonomic neuropathy type IIC; KIF1A-Related HSAN2 (HSAN2C). Identifiers: Orphanet 970, MedGen C3280168, MONDO:0013634, OMIM 614213.
Intellectual disability, autosomal dominant 9 (NESCAVS). Also called: NESCAV SYNDROME; KIF1A-Related Neurodevelopmental Disorder. Identifiers: Orphanet 662367, MedGen C5393830, MONDO:0013656, OMIM 614255.

Allele frequency attached by ClinVar (database versions not stated): gnomAD exomes below 0.00001.
gnomAD v4.1: 1 of 1,613,662 alleles (0.000062%); highest among the groups gnomAD compares: Non-Finnish European, 0.000085%; no homozygotes.

Submission:

Labcorp Genetics (formerly Invitae), Labcorp
Classification: Uncertain significance for Hereditary spastic paraplegia 30; Neuropathy, hereditary sensory, type 2C; Intellectual disability, autosomal dominant 9. Last evaluated: 2022-03-23. Review status: criteria provided, single submitter. Criteria: Invitae Variant Classification Sherloc (09022015). Collection method: clinical testing. Allele origin: germline.
Comment: Advanced modeling of protein sequence and biophysical properties (such as structural, functional, and spatial information, amino acid conservation, physicochemical variation, residue mobility, and thermodynamic stability) performed at Invitae indicates that this missense variant is expected to disrupt KIF1A protein function. In summary, the available evidence is currently insufficient to determine the role of this variant in disease. Therefore, it has been classified as a Variant of Uncertain Significance. This variant has not been reported in the literature in individuals affected with KIF1A-related conditions. This sequence change replaces valine, which is neutral and non-polar, with methionine, which is neutral and non-polar, at codon 178 of the KIF1A protein (p.Val178Met). This variant is present in population databases (no rsID available, gnomAD 0.003%).

NM_001244008.2(KIF1A):c.532G>A (p.Val178Met)

Gene: KIF1A (kinesin family member 1A; minus strand). Cytogenetic location: 2q37.3.
Variant type: single nucleotide variant.
Coding change: c.532G>A on transcript NM_001244008.2 (MANE Select); coding-DNA position 532, G replaced by A.
Protein change: p.Val178Met; replaces valine 178 with methionine.
Molecular consequence: missense variant.
Genome position (GRCh38, 1-based): chr2:240,786,411, C>T on the plus strand (G>A on the coding strand, the complement: KIF1A is on the minus strand). VCF-style: chr2-240786411-C-T. GRCh37 (hg19) VCF-style: chr2-241725828-C-T.
Other names: c.532G>A, p.Val178Met (NM_001320705.2, NM_001330289.2, NM_001330290.2 and 21 more transcripts); short protein forms V178M.
Identifiers: ClinVar variation 2170690 (VCV002170690.4), dbSNP rs1157594394, ClinGen allele CA351306179.